The following is an entry in ClinVar:

ClinVar aggregate classification (germline): Uncertain significance. Review status: criteria provided, multiple submitters, no conflicts (2 of 4 stars). 2 submissions from 2 submitters: Uncertain significance (2). Last evaluated 2025-06-20.

Conditions:
Emery-Dreifuss muscular dystrophy 4, autosomal dominant (EDMD4). Also called: EMERY-DREIFUSS MUSCULAR DYSTROPHY 4 WITH VARIABLE FEATURES. Identifiers: Orphanet 261, MedGen C2751807, MONDO:0013071, OMIM 612998.
Autosomal recessive ataxia, Beauce type. Also called: Spinocerebellar ataxia, autosomal recessive 8; ATAXIA, RECESSIVE, OF BEAUCE; SYNE1-Related Autosomal Recessive Cerebellar Ataxia; SYNE1 Deficiency. Identifiers: Orphanet 88644, MedGen C1853116, MONDO:0012549, OMIM 610743.

Allele frequency attached by ClinVar (database versions not stated): TOPMed 0.00003.

Submissions (2):

Dasa
Classification: Uncertain significance. Last evaluated: 2025-06-20. Review status: criteria provided, single submitter. Criteria: DASA Assertion Criteria. Collection method: clinical testing. Allele origin: germline.
Comment: NM_182961.4(SYNE1):c.15188T>C (p.Ile5063Thr) is a missense variant that results in the substitution of isoleucine with threonine. This variant is absent from population databases. Computational prediction algorithms are consistent with a benign effect. The currently available literature and clinical evidence are not sufficient to establish a definitive association between this variant and the reported condition. Therefore, this variant is classified as a variant of uncertain significance.

Labcorp Genetics (formerly Invitae), Labcorp
Classification: Uncertain significance for Emery-Dreifuss muscular dystrophy 4, autosomal dominant; Autosomal recessive ataxia, Beauce type. Last evaluated: 2023-12-07. Review status: criteria provided, single submitter. Criteria: Invitae Variant Classification Sherloc (09022015). Collection method: clinical testing. Allele origin: germline.
Comment: This sequence change replaces isoleucine, which is neutral and non-polar, with threonine, which is neutral and polar, at codon 4992 of the SYNE1 protein (p.Ile4992Thr). This variant is not present in population databases (gnomAD no frequency). This variant has not been reported in the literature in individuals affected with SYNE1-related conditions. ClinVar contains an entry for this variant (Variation ID: 943830). An algorithm developed to predict the effect of missense changes on protein structure and function (PolyPhen-2) suggests that this variant¬†is likely to be tolerated. In summary, the available evidence is currently insufficient to determine the role of this variant in disease. Therefore, it has been classified as a Variant of Uncertain Significance.

NM_182961.4(SYNE1):c.15188T>C (p.Ile5063Thr)

Gene: SYNE1 (spectrin repeat containing nuclear envelope protein 1; minus strand). Cytogenetic location: 6q25.2.
Variant type: single nucleotide variant.
Coding change: c.15188T>C on transcript NM_182961.4 (MANE Select); coding-DNA position 15188, T replaced by C.
Protein change: p.Ile5063Thr; replaces isoleucine 5063 with threonine.
Molecular consequence: missense variant.
Genome position (GRCh38, 1-based): chr6:152,326,401, A>G on the plus strand (T>C on the coding strand, the complement: SYNE1 is on the minus strand). VCF-style: chr6-152326401-A-G. GRCh37 (hg19) VCF-style: chr6-152647536-A-G.
Other names: c.14975T>C, p.Ile4992Thr (NM_033071.5); short protein forms I4992T, I5063T.
Identifiers: ClinVar variation 943830 (VCV000943830.7), dbSNP rs1486769103, ClinGen allele CA366093522.